The following is an entry in ClinVar:

NM_000081.4(LYST):c.3616G>C (p.Asp1206His)

Gene: LYST (lysosomal trafficking regulator; minus strand). Cytogenetic location: 1q42.3.
Variant type: single nucleotide variant.
Coding change: c.3616G>C on transcript NM_000081.4 (MANE Select); coding-DNA position 3616, G replaced by C.
Protein change: p.Asp1206His; replaces aspartic acid 1206 with histidine.
Molecular consequence: missense variant.
Genome position (GRCh38, 1-based): chr1:235,803,004, C>G on the plus strand (G>C on the coding strand, the complement: LYST is on the minus strand). VCF-style: chr1-235803004-C-G. GRCh37 (hg19) VCF-style: chr1-235966304-C-G.
Other names: c.3616G>C (NM_000081.2); c.3616G>C, p.Asp1206His (NM_001301365.1); short protein forms D1206H.
Identifiers: ClinVar variation 296404 (VCV000296404.12), dbSNP rs148129352, ClinGen allele CA1467032.
Genomic context (GRCh38, chr1:235,803,004, plus strand): 5'-CACTATCTGCTTCGTAACCTTCTTCTTCAACTAAAAGTTTAAAACTACAACACTGAGAAT[C>G]CTCAGCTTCTTCTGAAAAATCACCAGGCTGGGATGACAATTCTTCTGCAGATTGATGACT-3'
Protein context (NP_000072.2, residues 1196-1216): QPGDFSEEAE[Asp1206His]SQCCSFKLLV

ClinVar aggregate classification (germline): Uncertain significance. Review status: criteria provided, multiple submitters, no conflicts (2 of 4 stars). 4 submissions from 4 submitters: Uncertain significance (4). Last evaluated 2024-07-17.

Conditions:
Inborn genetic diseases. Identifiers: MedGen C0950123, MeSH D030342.
Chédiak-Higashi syndrome (CHS). Also called: Chediak-Higashi Syndrome. Identifiers: Orphanet 167, MedGen C0007965, MONDO:0008963, OMIM 214500.

Allele frequency attached by ClinVar (database versions not stated): gnomAD 0.00001; TOPMed 0.00002; ExAC 0.00006; ESP Exome Variant Server 0.00015.
gnomAD v4.1: 40 of 1,613,146 alleles (0.0025%); highest among the groups gnomAD compares: Middle Eastern, 0.016%; no homozygotes.

Submissions (4):

Labcorp Genetics (formerly Invitae), Labcorp
Classification: Uncertain significance for Chédiak-Higashi syndrome. Last evaluated: 2024-07-17. Review status: criteria provided, single submitter. Criteria: Invitae Variant Classification Sherloc (09022015). Collection method: clinical testing. Allele origin: germline.
Comment: This sequence change replaces aspartic acid, which is acidic and polar, with histidine, which is basic and polar, at codon 1206 of the LYST protein (p.Asp1206His). This variant is present in population databases (rs148129352, gnomAD 0.1%). This variant has not been reported in the literature in individuals affected with LYST-related conditions. ClinVar contains an entry for this variant (Variation ID: 296404). Advanced modeling of protein sequence and biophysical properties (such as structural, functional, and spatial information, amino acid conservation, physicochemical variation, residue mobility, and thermodynamic stability) performed at Invitae indicates that this missense variant is not expected to disrupt LYST protein function with a negative predictive value of 80%. In summary, the available evidence is currently insufficient to determine the role of this variant in disease. Therefore, it has been classified as a Variant of Uncertain Significance.

Ambry Genetics
Classification: Uncertain significance for Inborn genetic diseases. Last evaluated: 2022-10-13. Review status: criteria provided, single submitter. Criteria: Ambry Variant Classification Scheme 2023. Collection method: clinical testing. Allele origin: germline.

Department of Pathology and Laboratory Medicine, Sinai Health System
Classification: Uncertain significance for Chédiak-Higashi syndrome. Last evaluated: 2021-07-30. Review status: criteria provided, single submitter. Criteria: ACMG Guidelines, 2015. Collection method: research. Allele origin: germline.

Illumina Laboratory Services, Illumina
Classification: Uncertain significance for Chédiak-Higashi syndrome. Last evaluated: 2018-01-13. Review status: criteria provided, single submitter. Criteria: ICSL Variant Classification Criteria 13 December 2019. Collection method: clinical testing. Allele origin: germline.